The following is an entry in ClinVar:

ClinVar aggregate classification (germline): Uncertain significance (1 of 4 stars; one submission).

Submission:

Labcorp Genetics (formerly Invitae), Labcorp
Classification: Uncertain significance. Last evaluated: 2022-05-21. Review status: criteria provided, single submitter. Criteria: Invitae Variant Classification Sherloc (09022015). Collection method: clinical testing. Allele origin: germline.
Comment: Algorithms developed to predict the effect of missense changes on protein structure and function are either unavailable or do not agree on the potential impact of this missense change (SIFT: "Not Available"; PolyPhen-2: "Benign"; Align-GVGD: "Not Available"). This variant has not been reported in the literature in individuals affected with TCF3-related conditions. This variant is not present in population databases (gnomAD no frequency). This sequence change replaces serine, which is neutral and polar, with threonine, which is neutral and polar, at codon 72 of the TCF3 protein (p.Ser72Thr). In summary, the available evidence is currently insufficient to determine the role of this variant in disease. Therefore, it has been classified as a Variant of Uncertain Significance.

NM_003200.5(TCF3):c.215G>C (p.Ser72Thr)

Gene: TCF3 (transcription factor 3; minus strand). Cytogenetic location: 19p13.3.
Variant type: single nucleotide variant.
Coding change: c.215G>C on transcript NM_003200.5 (MANE Select); coding-DNA position 215, G replaced by C.
Protein change: p.Ser72Thr; replaces serine 72 with threonine.
Molecular consequence: missense variant.
Genome position (GRCh38, 1-based): chr19:1,632,336, C>G on the plus strand (G>C on the coding strand, the complement: TCF3 is on the minus strand). VCF-style: chr19-1632336-C-G. GRCh37 (hg19) VCF-style: chr19-1632335-C-G.
Other names: c.215G>C, p.Ser72Thr (NM_001136139.4, NM_001351778.2, NM_001351779.2); short protein forms S72T.
Identifiers: ClinVar variation 2129977 (VCV002129977.4), dbSNP rs2514257654, ClinGen allele CA403080058.
Genomic context (GRCh38, chr19:1,632,336, plus strand): 5'-GCCCCCAACTCTGGGGACAGGAAACTCAGGGTCTCAGGCCTCACGGGGACTCCTACCCGG[C>G]TGGGGTCAAAGGAGGAGCTGCTCTGGTCGCCGCTGCCCCAGGAGCCTGAGCTGGGCCGGT-3'
Protein context (NP_003191.1, residues 62-82): GDQSSSSFDP[Ser72Thr]RTFSEGTHFT